The following is an entry in ClinVar:

NM_004247.4(EFTUD2):c.1394dup (p.Met465fs)

Gene: EFTUD2 (elongation factor Tu GTP binding domain containing 2; minus strand). Cytogenetic location: 17q21.31.
Variant type: Duplication.
Coding change: c.1394dup on transcript NM_004247.4 (MANE Select); coding-DNA position 1394, one base duplicated (T; older notation c.1394dupT).
Protein change: p.Met465fs; shifts the reading frame from methionine 465.
Molecular consequence: frameshift variant.
Genome position (GRCh38, 1-based): chr17:44,863,674, A duplicated on the plus strand (T on the coding strand, the reverse complement: EFTUD2 is on the minus strand). VCF-style (leftmost placement, unchanged base first): chr17-44863673-C-CA. GRCh37 (hg19) VCF-style: chr17-42941041-C-CA.
Other names: c.1289dup, p.Met430fs (NM_001142605.2); c.1394dup, p.Met465fs (NM_001258353.2); c.1364dup, p.Met455fs (NM_001258354.2); short protein forms M455fs, M465fs, M430fs.
Identifiers: ClinVar variation 2836418 (VCV002836418.3), dbSNP rs2508766687, ClinGen allele CA2739267583.

ClinVar aggregate classification (germline): Pathogenic (1 of 4 stars; one submission).

Submission:

Labcorp Genetics (formerly Invitae), Labcorp
Classification: Pathogenic. Last evaluated: 2025-10-20. Review status: criteria provided, single submitter. Criteria: Invitae Variant Classification Sherloc (09022015). Collection method: clinical testing. Allele origin: germline.
Comment: This sequence change creates a premature translational stop signal (p.Met465Ilefs*3) in the EFTUD2 gene. It is expected to result in an absent or disrupted protein product. Loss-of-function variants in EFTUD2 are known to be pathogenic (PMID: 24999515, 26507355). This variant is not present in population databases (gnomAD no frequency). This variant has not been reported in the literature in individuals affected with EFTUD2-related conditions. ClinVar contains an entry for this variant (Variation ID: 2836418). For these reasons, this variant has been classified as Pathogenic.

Literature cited by the submitters: PubMed 24999515; PubMed 26507355.